The following is an entry in ClinVar:

ClinVar aggregate classification (germline): Uncertain significance (1 of 4 stars; one submission).

Conditions:
Diamond-Blackfan anemia. Also called: Blackfan Diamond syndrome; Aregenerative anemia chronic congenital; Red cell aplasia, pure hereditary; Congenital hypoplastic anemia; Aase syndrome. Identifiers: Orphanet 124, MedGen C1260899, MeSH D029503, MONDO:0015253, HP:0004810.

Submission:

Labcorp Genetics (formerly Invitae), Labcorp
Classification: Uncertain significance for Diamond-Blackfan anemia. Last evaluated: 2023-07-15. Review status: criteria provided, single submitter. Criteria: Invitae Variant Classification Sherloc (09022015). Collection method: clinical testing. Allele origin: germline.
Comment: In summary, the available evidence is currently insufficient to determine the role of this variant in disease. Therefore, it has been classified as a Variant of Uncertain Significance. Advanced modeling of protein sequence and biophysical properties (such as structural, functional, and spatial information, amino acid conservation, physicochemical variation, residue mobility, and thermodynamic stability) performed at Invitae indicates that this missense variant is not expected to disrupt RPL5 protein function. This variant has not been reported in the literature in individuals affected with RPL5-related conditions. This variant is not present in population databases (gnomAD no frequency). This sequence change replaces alanine, which is neutral and non-polar, with valine, which is neutral and non-polar, at codon 148 of the RPL5 protein (p.Ala148Val).

NM_000969.5(RPL5):c.443C>T (p.Ala148Val)

Genes: DIPK1A (divergent protein kinase domain 1A; minus strand), RPL5 (ribosomal protein L5; plus strand). Cytogenetic location: 1p22.1.
Variant type: single nucleotide variant.
Coding change: c.443C>T on transcript NM_000969.5 (MANE Select); coding-DNA position 443, C replaced by T.
Protein change: p.Ala148Val; replaces alanine 148 with valine.
Molecular consequence: missense variant. On other transcripts: non-coding transcript variant (1), intron variant (1).
Genome position (GRCh38, 1-based): chr1:92,836,308, C>T. VCF-style: chr1-92836308-C-T. GRCh37 (hg19) VCF-style: chr1-93301865-C-T.
Other names: c.475-3274G>A (NM_001252273.2); short protein forms A148V.
Identifiers: ClinVar variation 2849121 (VCV002849121.3), dbSNP rs11540829, ClinGen allele CA26758936.